The following is an entry in ClinVar:

ClinVar aggregate classification (germline): Uncertain significance (1 of 4 stars; one submission).

Submission:

Ambry Genetics
Classification: Uncertain significance. Last evaluated: 2025-05-31. Review status: criteria provided, single submitter. Criteria: Ambry Variant Classification Scheme 2023. Collection method: clinical testing. Allele origin: germline.
Comment: The p.S390N variant (also known as c.1169G>A), located in coding exon 6 of the PALLD gene, results from a G to A substitution at nucleotide position 1169. The serine at codon 390 is replaced by asparagine, an amino acid with highly similar properties. This amino acid position is conserved. In addition, this alteration is predicted to be tolerated by in silico analysis. Based on the available evidence, the clinical significance of this variant remains unclear.

NM_001166108.2(PALLD):c.2681G>A (p.Ser894Asn)

Genes: CBR4 (carbonyl reductase 4; minus strand), PALLD (palladin, cytoskeletal associated protein; plus strand). Cytogenetic location: 4q32.3.
Variant type: single nucleotide variant.
Coding change: c.2681G>A on transcript NM_001166108.2 (MANE Select); coding-DNA position 2681, G replaced by A.
Protein change: p.Ser894Asn; replaces serine 894 with asparagine.
Molecular consequence: missense variant.
Genome position (GRCh38, 1-based): chr4:168,913,985, G>A. VCF-style: chr4-168913985-G-A. GRCh37 (hg19) VCF-style: chr4-169835136-G-A.
Other names: c.1484G>A, p.Ser495Asn (NM_001166109.2); c.1169G>A, p.Ser390Asn (NM_001166110.2); c.509G>A, p.Ser170Asn (NM_001367567.1, NM_001367569.1); c.560G>A, p.Ser187Asn (NM_001367568.1, NM_001367570.1); c.2630G>A, p.Ser877Asn (NM_016081.4); short protein forms S170N, S390N, S877N, S187N, S495N, S894N.
Identifiers: ClinVar variation 3927565 (VCV003927565.1).